The following is an entry in ClinVar:

NM_133379.5(TTN):c.15492C>T (p.Ser5164=)

Gene: TTN (titin; minus strand). Cytogenetic location: 2q31.2.
Variant type: single nucleotide variant.
Coding change: c.15492C>T on transcript NM_133379.5; coding-DNA position 15492, C replaced by T.
Protein change: p.Ser5164=; no amino-acid change (serine 5164 retained).
Molecular consequence: synonymous variant. On other transcripts: intron variant (6).
Genome position (GRCh38, 1-based): chr2:178,746,908, G>A on the plus strand (C>T on the coding strand, the complement: TTN is on the minus strand). VCF-style: chr2-178746908-G-A. GRCh37 (hg19) VCF-style: chr2-179611635-G-A.
Other names: c.15492C>T (NM_133379.4); c.10223-4987C>T (NM_003319.4); c.10799-4987C>T (NM_133437.4); c.10598-4987C>T (NM_133432.3); c.10360+6216C>T (NM_133378.4); c.10361-4987C>T (NM_001256850.1); c.11312-4987C>T (NM_001267550.2).
Identifiers: ClinVar variation 1188676 (VCV001188676.5), dbSNP rs766013350, ClinGen allele CA2003087.

ClinVar aggregate classification (germline): Likely benign. Review status: criteria provided, multiple submitters, no conflicts (2 of 4 stars). 3 submissions from 3 submitters: Likely benign (2). 1 of the submissions does not count toward it. Last evaluated 2024-04-02.

Conditions:
TTN-related disorder. Also called: TTN-related condition; TTN-related disease; TTN-related disorders.

Allele frequency attached by ClinVar (database versions not stated): gnomAD 0.00003 and 0.00004; ExAC 0.00004; TOPMed 0.00005; gnomAD exomes 0.00006.
gnomAD v4.1: 118 of 1,613,294 alleles (0.0073%); highest among the groups gnomAD compares: Non-Finnish European, 0.0086%; no homozygotes.

Submissions (3):

Blueprint Genetics
Classification: Likely benign. Last evaluated: 2024-04-02. Review status: criteria provided, single submitter. Criteria: ACMG Guidelines, 2015. Collection method: clinical testing. Allele origin: germline.

GeneDx
Classification: Likely benign. Last evaluated: 2019-01-16. Review status: criteria provided, single submitter. Criteria: GeneDx Variant Classification Process June 2021. Collection method: clinical testing. Allele origin: germline. Affected: yes.

PreventionGenetics, part of Exact Sciences
Classification: Likely benign for TTN-related condition. Last evaluated: 2021-02-10. Review status: no assertion criteria provided. Collection method: clinical testing. Allele origin: germline. Not counted in ClinVar's aggregate classification.
Comment: This variant is classified as likely benign based on ACMG/AMP sequence variant interpretation guidelines (Richards et al. 2015 PMID: 25741868, with internal and published modifications).